The following is an entry in ClinVar:

NM_182914.3(SYNE2):c.766C>T (p.Pro256Ser)

Gene: SYNE2 (spectrin repeat containing nuclear envelope protein 2; plus strand). Cytogenetic location: 14q23.2.
Variant type: single nucleotide variant.
Coding change: c.766C>T on transcript NM_182914.3 (MANE Select); coding-DNA position 766, C replaced by T.
Protein change: p.Pro256Ser; replaces proline 256 with serine.
Molecular consequence: missense variant.
Genome position (GRCh38, 1-based): chr14:63,954,894, C>T. VCF-style: chr14-63954894-C-T. GRCh37 (hg19) VCF-style: chr14-64421612-C-T.
Other names: c.766C>T, p.Pro256Ser (NM_015180.6); short protein forms P256S.
Identifiers: ClinVar variation 1026334 (VCV001026334.8), dbSNP rs1195315926, ClinGen allele CA389943068.

ClinVar aggregate classification (germline): Uncertain significance (1 of 4 stars; one submission).

Conditions:
Emery-Dreifuss muscular dystrophy 5, autosomal dominant (EDMD5). Also called: EMERY-DREIFUSS MUSCULAR DYSTROPHY 5. Identifiers: Orphanet 261, MedGen C2751805, MONDO:0013072, OMIM 612999.

Submission:

Labcorp Genetics (formerly Invitae), Labcorp
Classification: Uncertain significance for Emery-Dreifuss muscular dystrophy 5, autosomal dominant. Last evaluated: 2022-06-20. Review status: criteria provided, single submitter. Criteria: Invitae Variant Classification Sherloc (09022015). Collection method: clinical testing. Allele origin: germline.
Comment: In summary, the available evidence is currently insufficient to determine the role of this variant in disease. Therefore, it has been classified as a Variant of Uncertain Significance. Algorithms developed to predict the effect of missense changes on protein structure and function are either unavailable or do not agree on the potential impact of this missense change (SIFT: "Tolerated"; PolyPhen-2: "Probably Damaging"; Align-GVGD: "Class C0"). ClinVar contains an entry for this variant (Variation ID: 1026334). This variant has not been reported in the literature in individuals affected with SYNE2-related conditions. This variant is not present in population databases (gnomAD no frequency). This sequence change replaces proline, which is neutral and non-polar, with serine, which is neutral and polar, at codon 256 of the SYNE2 protein (p.Pro256Ser).